The following is an entry in ClinVar:

NM_001018005.2(TPM1):c.768_772delAGAAG (p.Glu257fs)

Gene: TPM1 (tropomyosin 1; plus strand). Cytogenetic location: 15q22.2.
Variant type: Deletion.
Coding change: c.768_772delAGAAG on transcript NM_001018005.2 (MANE Select); coding-DNA positions 768 to 772, 5 bases deleted (AGAAG).
Protein change: p.Glu257fs; shifts the reading frame from glutamic acid 257.
Molecular consequence: frameshift variant. On other transcripts: nonsense (5), non-coding transcript variant (17).
Genome position (GRCh38, 1-based): chr15:63,062,641-63,062,645, AGAAG deleted. VCF-style (leftmost placement, unchanged base first): chr15-63062640-TAGAAG-T. GRCh37 (hg19) VCF-style: chr15-63354839-TAGAAG-T.
Other names: c.894_898delAGAAG, p.Glu300fs (NM_001365778.1); c.768_772delAGAAG, p.Glu257fs (NM_001365779.1, NM_001407326.1, NM_001407329.1 and 12 more transcripts); c.660_664delAGAAG, p.Leu220_Glu221insTer (NM_001365780.1, NM_001407342.1); c.660_664delAGAAG, p.Glu221fs (NM_001365781.2, NM_001365782.1, NM_001407344.1 and 3 more transcripts); c.894_898delAGAAG, p.Glu299fs (NM_001407322.1, NM_001407323.1, NM_001407324.1); c.768_772del, p.Leu256_Glu257insTer (NM_001407325.1); c.768_772delAGAAG, p.Leu256_Glu257insTer (NM_001407327.1, NM_001407328.1, NM_001365777.1); c.660_664del, p.Leu220_Glu221insTer (NM_001407340.1, NM_001407341.1); and 3 more; short protein forms E221fs, E222fs, E257fs, E258fs, E299fs, E300fs.
Identifiers: ClinVar variation 4756416 (VCV004756416.1).
Genomic context (GRCh38, chr15:63,062,640, plus strand): 5'-AGACTCGGGCTGAGTTTGCGGAGAGGTCAGTAACTAAATTGGAGAAAAGCATTGATGACT[TAGAAG>T]GTAAGATCTTAAGTAGTGTTTTTAGTTTAATCCTTATGGTTGAATACCAACCTGGCAAAA-3'

ClinVar aggregate classification (germline): Uncertain significance (1 of 4 stars; one submission).

Conditions:
Cardiomyopathy (CMYO). Also called: Cardiomyopathies. Identifiers: Orphanet 167848, MedGen C0878544, MONDO:0004994, HP:0001638. Inheritance: Various modes of inheritance.

Submission:

Color Diagnostics, LLC DBA Color Health
Classification: Uncertain significance for Cardiomyopathy. Last evaluated: 2025-09-15. Review status: criteria provided, single submitter. Criteria: ACMG Guidelines, 2015. Collection method: clinical testing. Allele origin: germline.
Comment: This variant deletes 5 nucleotides in exon 8 of the TPM1 gene, creating a frameshift and premature translation stop signal. This variant is expected to result in an absent or non-functional protein product. To our knowledge, this variant has not been reported in individuals affected with TPM1-related disorders in the literature. This variant has not been identified in the general population by the Genome Aggregation Database (gnomAD). The role of loss-of-function TPM1 truncation variants in autosomal dominant cardiovascular disorders is not clearly understood. The available evidence is insufficient to determine the role of this variant in disease conclusively. Therefore, this variant is classified as a Variant of Uncertain Significance.